The following is an entry in ClinVar:

NM_001242896.3(DEPDC5):c.3301C>T (p.Arg1101Cys)

Gene: DEPDC5 (DEP domain containing 5, GATOR1 subcomplex subunit; plus strand). Cytogenetic location: 22q12.3.
Variant type: single nucleotide variant.
Coding change: c.3301C>T on transcript NM_001242896.3 (MANE Select); coding-DNA position 3301, C replaced by T.
Protein change: p.Arg1101Cys; replaces arginine 1101 with cysteine.
Molecular consequence: missense variant. On other transcripts: non-coding transcript variant (2), intron variant (5).
Genome position (GRCh38, 1-based): chr22:31,861,404, C>T. VCF-style: chr22-31861404-C-T. GRCh37 (hg19) VCF-style: chr22-32257390-C-T.
Other names: c.3301C>T (NM_001242896.1); c.3274C>T, p.Arg1092Cys (NM_001136029.4); c.3067C>T, p.Arg1023Cys (NM_001363854.2, NM_001364319.2); c.3301C>T, p.Arg1101Cys (NM_001364318.2); c.3217C>T, p.Arg1073Cys (NM_001369901.1, NM_001369902.1); c.3237+3851C>T (NM_014662.6, NM_001369903.1); c.3264+3851C>T (NM_001363852.2, NM_001364320.2); c.3030+3851C>T (NM_001242897.2); short protein forms R1023C, R1073C, R1101C, R1092C.
Identifiers: ClinVar variation 2889942 (VCV002889942.4), dbSNP rs559317998, ClinGen allele CA10196940.

ClinVar aggregate classification (germline): Uncertain significance. Review status: criteria provided, multiple submitters, no conflicts (2 of 4 stars). 2 submissions from 2 submitters: Uncertain significance (2). Last evaluated 2025-08-27.

Conditions:
Familial focal epilepsy with variable foci (FPEVF). Identifiers: Orphanet 98820, MedGen C1858477, MONDO:0020310.
Inborn genetic diseases. Identifiers: MedGen C0950123, MeSH D030342.

Allele frequency attached by ClinVar (database versions not stated): gnomAD exomes 0.00001; gnomAD 0.00002; ExAC 0.00005; 1000 Genomes Project 30x 0.00016; 1000 Genomes Project 0.00020.
gnomAD v4.1: 13 of 1,551,596 alleles (0.00084%); highest among the groups gnomAD compares: East Asian, 0.0049%; no homozygotes.

Submissions (2):

Ambry Genetics
Classification: Uncertain significance for Inborn genetic diseases. Last evaluated: 2025-08-27. Review status: criteria provided, single submitter. Criteria: Ambry Variant Classification Scheme 2023. Collection method: clinical testing. Allele origin: germline.

Labcorp Genetics (formerly Invitae), Labcorp
Classification: Uncertain significance for Familial focal epilepsy with variable foci. Last evaluated: 2022-11-20. Review status: criteria provided, single submitter. Criteria: Invitae Variant Classification Sherloc (09022015). Collection method: clinical testing. Allele origin: germline.
Comment: In summary, the available evidence is currently insufficient to determine the role of this variant in disease. Therefore, it has been classified as a Variant of Uncertain Significance. Algorithms developed to predict the effect of missense changes on protein structure and function are either unavailable or do not agree on the potential impact of this missense change (SIFT: "Deleterious"; PolyPhen-2: "Not Available"; Align-GVGD: "Class C0"). This variant has not been reported in the literature in individuals affected with DEPDC5-related conditions. This variant is present in population databases (rs559317998, gnomAD 0.009%). This sequence change replaces arginine, which is basic and polar, with cysteine, which is neutral and slightly polar, at codon 1101 of the DEPDC5 protein (p.Arg1101Cys).